The following is an entry in ClinVar:

ClinVar aggregate classification (germline): Uncertain significance (1 of 4 stars; one submission).

Conditions:
Melnick-Needles syndrome (MNS). Also called: MELNICK-NEEDLES OSTEODYSPLASTY; OSTEODYSPLASTY OF MELNICK AND NEEDLES; Melnick-Needles Syndrome (FLNA-MNS). Identifiers: Orphanet 2484, MedGen C0025237, MONDO:0010650, OMIM 309350.
Frontometaphyseal dysplasia (FMD1). Identifiers: Orphanet 1826, MedGen C0265293, MONDO:0015942.
Heterotopia, periventricular, X-linked dominant (PVNH1). Also called: PERIVENTRICULAR NODULAR HETEROTOPIA 1; X-linked periventricular heterotopia; PERIVENTRICULAR NODULAR HETEROTOPIA 4; HETEROTOPIA, PERIVENTRICULAR, 1. Identifiers: Orphanet 2149, Orphanet 82004, MedGen C1848213, MONDO:0010233, OMIM 300049.
Oto-palato-digital syndrome, type II (OPD2). Also called: FACIOPALATOOSSEOUS SYNDROME; OPD II SYNDROME; Otopalatodigital Syndrome, Type II; Otopalatodigital Syndrome Type 2 (FLNA-OPD2). Identifiers: Orphanet 669, Orphanet 90652, MedGen C1844696, MONDO:0010571, OMIM 304120.

Submission:

Labcorp Genetics (formerly Invitae), Labcorp
Classification: Uncertain significance for Oto-palato-digital syndrome, type II; Heterotopia, periventricular, X-linked dominant; Frontometaphyseal dysplasia; Melnick-Needles syndrome. Last evaluated: 2024-04-18. Review status: criteria provided, single submitter. Criteria: Invitae Variant Classification Sherloc (09022015). Collection method: clinical testing. Allele origin: germline.
Comment: This sequence change replaces leucine, which is neutral and non-polar, with proline, which is neutral and non-polar, at codon 2620 of the FLNA protein (p.Leu2620Pro). This variant is not present in population databases (gnomAD no frequency). This variant has not been reported in the literature in individuals affected with FLNA-related conditions. Advanced modeling of protein sequence and biophysical properties (such as structural, functional, and spatial information, amino acid conservation, physicochemical variation, residue mobility, and thermodynamic stability) performed at Invitae indicates that this missense variant is not expected to disrupt FLNA protein function with a negative predictive value of 95%. In summary, the available evidence is currently insufficient to determine the role of this variant in disease. Therefore, it has been classified as a Variant of Uncertain Significance.

NM_001110556.2(FLNA):c.7883T>C (p.Leu2628Pro)

Genes: FLNA (filamin A; minus strand), LOC107988032 (Xq28 proximal FLNA-EMD recombination region; plus strand). Cytogenetic location: Xq28.
Variant type: single nucleotide variant.
Coding change: c.7883T>C on transcript NM_001110556.2 (MANE Select); coding-DNA position 7883, T replaced by C.
Protein change: p.Leu2628Pro; replaces leucine 2628 with proline.
Molecular consequence: missense variant.
Genome position (GRCh38, 1-based): chrX:154,348,910, A>G on the plus strand (T>C on the coding strand, the complement: FLNA is on the minus strand). VCF-style: chrX-154348910-A-G. GRCh37 (hg19) VCF-style: chrX-153577278-A-G.
Other names: c.7859T>C, p.Leu2620Pro (NM_001456.4); short protein forms L2620P, L2628P.
Identifiers: ClinVar variation 3753964 (VCV003753964.2).